The following is an entry in ClinVar:

ClinVar aggregate classification (germline): Uncertain significance (1 of 4 stars; one submission).

Conditions:
Encephalopathy, acute, infection-induced (herpes-specific), susceptibility to, 1. Also called: Herpes simplex encephalitis, susceptibility to, 1. Identifiers: Orphanet 1930, MedGen C2750180, MONDO:0024563, OMIM 610551.

Allele frequency attached by ClinVar (database versions not stated): gnomAD 0.00001.
gnomAD v4.1: 1 of 1,612,924 alleles (0.000062%); highest among the groups gnomAD compares: Admixed American, 0.0017%; no homozygotes.

Submission:

Labcorp Genetics (formerly Invitae), Labcorp
Classification: Uncertain significance for Encephalopathy, acute, infection-induced (herpes-specific), susceptibility to, 1. Last evaluated: 2020-09-15. Review status: criteria provided, single submitter. Criteria: Invitae Variant Classification Sherloc (09022015). Collection method: clinical testing. Allele origin: germline.
Comment: In summary, the available evidence is currently insufficient to determine the role of this variant in disease. Therefore, it has been classified as a Variant of Uncertain Significance. Algorithms developed to predict the effect of missense changes on protein structure and function output the following: SIFT: "Tolerated"; PolyPhen-2: "Benign"; Align-GVGD: "Class C0". The asparagine amino acid residue is found in multiple mammalian species, suggesting that this missense change does not adversely affect protein function. These predictions have not been confirmed by published functional studies and their clinical significance is uncertain. This variant has not been reported in the literature in individuals with TLR3-related conditions. This variant is not present in population databases (ExAC no frequency). This sequence change replaces lysine with asparagine at codon 628 of the TLR3 protein (p.Lys628Asn). The lysine residue is weakly conserved and there is a moderate physicochemical difference between lysine and asparagine.

NM_003265.3(TLR3):c.1884G>C (p.Lys628Asn)

Gene: TLR3 (toll like receptor 3; plus strand). Cytogenetic location: 4q35.1.
Variant type: single nucleotide variant.
Coding change: c.1884G>C on transcript NM_003265.3 (MANE Select); coding-DNA position 1884, G replaced by C.
Protein change: p.Lys628Asn; replaces lysine 628 with asparagine.
Molecular consequence: missense variant.
Genome position (GRCh38, 1-based): chr4:186,083,570, G>C. VCF-style: chr4-186083570-G-C. GRCh37 (hg19) VCF-style: chr4-187004724-G-C.
Other names: short protein forms K628N.
Identifiers: ClinVar variation 1009348 (VCV001009348.9), dbSNP rs2099303884, ClinGen allele CA358934458.